The following is an entry in ClinVar:

NM_001367479.1(DNAH14):c.12803T>C (p.Ile4268Thr)

Gene: DNAH14 (dynein axonemal heavy chain 14; plus strand). Cytogenetic location: 1q42.12.
Variant type: single nucleotide variant.
Coding change: c.12803T>C on transcript NM_001367479.1 (MANE Select); coding-DNA position 12803, T replaced by C.
Protein change: p.Ile4268Thr; replaces isoleucine 4268 with threonine.
Molecular consequence: missense variant.
Genome position (GRCh38, 1-based): chr1:225,380,245, T>C. VCF-style: chr1-225380245-T-C. GRCh37 (hg19) VCF-style: chr1-225567947-T-C.
Other names: NM_001373.1:c.12497T>C; short protein forms I4268T.
Identifiers: ClinVar variation 3769928 (VCV003769928.2).

ClinVar aggregate classification (germline): Uncertain significance (1 of 4 stars; one submission).

gnomAD v4.1: 4 of 1,551,488 alleles (0.00026%); highest among the groups gnomAD compares: African/African-American, 0.0041%; no homozygotes.

Submission:

GeneDx
Classification: Uncertain significance. Last evaluated: 2026-06-07. Review status: criteria provided, single submitter. Criteria: GeneDx Variant Classification Process June 2021. Collection method: clinical testing. Allele origin: germline.
Comment: Not observed at significant frequency in large population cohorts (gnomAD); In silico analysis suggests that this missense variant does not alter protein structure/function; Has not been previously published as pathogenic or benign to our knowledge